The following is an entry in ClinVar:

ClinVar aggregate classification (germline): Uncertain significance (1 of 4 stars; one submission).

Submission:

Ambry Genetics
Classification: Uncertain significance. Last evaluated: 2024-04-11. Review status: criteria provided, single submitter. Criteria: Ambry Variant Classification Scheme 2023. Collection method: clinical testing. Allele origin: germline.
Comment: The p.G8R variant (also known as c.22G>A), located in coding exon 1 of the POLQ gene, results from a G to A substitution at nucleotide position 22. The glycine at codon 8 is replaced by arginine, an amino acid with dissimilar properties. This amino acid position is conserved. In addition, this alteration is predicted to be tolerated by in silico analysis. Since supporting evidence is limited at this time, the clinical significance of this alteration remains unclear.

NM_199420.4(POLQ):c.22G>A (p.Gly8Arg)

Genes: POLQ (DNA polymerase theta; minus strand), LOC112872292 (Sharpr-MPRA regulatory region 30; plus strand). Cytogenetic location: 3q13.33.
Variant type: single nucleotide variant.
Coding change: c.22G>A on transcript NM_199420.4 (MANE Select); coding-DNA position 22, G replaced by A.
Protein change: p.Gly8Arg; replaces glycine 8 with arginine.
Molecular consequence: missense variant.
Genome position (GRCh38, 1-based): chr3:121,545,856, C>T on the plus strand (G>A on the coding strand, the complement: POLQ is on the minus strand). VCF-style: chr3-121545856-C-T. GRCh37 (hg19) VCF-style: chr3-121264703-C-T.
Other names: short protein forms G8R.
Identifiers: ClinVar variation 1789261 (VCV001789261.3), dbSNP rs2546828776, ClinGen allele CA354097933.